The following is an entry in ClinVar:

ClinVar aggregate classification (germline): Uncertain significance. Review status: criteria provided, multiple submitters, no conflicts (2 of 4 stars). 3 submissions from 3 submitters: Uncertain significance (3). Last evaluated 2025-09-02.

Allele frequency attached by ClinVar (database versions not stated): gnomAD exomes 0.00003; gnomAD 0.00007 and 0.00008; TOPMed 0.00009; 1000 Genomes Project 30x 0.00016; 1000 Genomes Project 0.00020.
gnomAD v4.1: 76 of 1,613,930 alleles (0.0047%); highest among the groups gnomAD compares: Admixed American, 0.0083%; no homozygotes.

Submissions (3):

Labcorp Genetics (formerly Invitae), Labcorp
Classification: Uncertain significance. Last evaluated: 2025-09-02. Review status: criteria provided, single submitter. Criteria: Invitae Variant Classification Sherloc (09022015). Collection method: clinical testing. Allele origin: germline.
Comment: This sequence change replaces glutamine, which is neutral and polar, with arginine, which is basic and polar, at codon 811 of the TRIOBP protein (p.Gln811Arg). This variant is present in population databases (rs200250720, gnomAD 0.008%). This variant has not been reported in the literature in individuals affected with TRIOBP-related conditions. ClinVar contains an entry for this variant (Variation ID: 1318739). An algorithm developed to predict the effect of missense changes on protein structure and function (PolyPhen-2) suggests that this variant is likely to be disruptive. In summary, the available evidence is currently insufficient to determine the role of this variant in disease. Therefore, it has been classified as a Variant of Uncertain Significance.

GeneDx
Classification: Uncertain significance. Last evaluated: 2024-12-26. Review status: criteria provided, single submitter. Criteria: GeneDx Variant Classification Process June 2021. Collection method: clinical testing. Allele origin: germline. Affected: yes.
Comment: Has not been previously published as pathogenic or benign to our knowledge; In silico analysis indicates that this missense variant does not alter protein structure/function

Blueprint Genetics
Classification: Uncertain significance. Last evaluated: 2022-07-21. Review status: criteria provided, single submitter. Criteria: ACMG Guidelines, 2015. Collection method: clinical testing. Allele origin: germline.

NM_001039141.3(TRIOBP):c.2432A>G (p.Gln811Arg)

Gene: TRIOBP (TRIO and F-actin binding protein; plus strand). Cytogenetic location: 22q13.1.
Variant type: single nucleotide variant.
Coding change: c.2432A>G on transcript NM_001039141.3 (MANE Select); coding-DNA position 2432, A replaced by G.
Protein change: p.Gln811Arg; replaces glutamine 811 with arginine.
Molecular consequence: missense variant.
Genome position (GRCh38, 1-based): chr22:37,724,988, A>G. VCF-style: chr22-37724988-A-G. GRCh37 (hg19) VCF-style: chr22-38120995-A-G.
Other names: short protein forms Q811R.
Identifiers: ClinVar variation 1318739 (VCV001318739.7), dbSNP rs200250720, ClinGen allele CA324134859.